The following is an entry in ClinVar:

ClinVar aggregate classification (germline): Conflicting classifications of pathogenicity. Review status: criteria provided, conflicting classifications (1 of 4 stars). 2 submissions from 2 submitters: Uncertain significance (1); Likely benign (1). Last evaluated 2025-11-21.

Conditions:
Capillary malformation-arteriovenous malformation syndrome. Also called: Capillary malformation-arteriovenous malformation. Identifiers: Orphanet 137667, MedGen C1842180, MONDO:0012016.

Submissions (2):

Labcorp Genetics (formerly Invitae), Labcorp
Classification: Uncertain significance for Capillary malformation-arteriovenous malformation syndrome. Last evaluated: 2025-11-21. Review status: criteria provided, single submitter. Criteria: Invitae Variant Classification Sherloc (09022015). Collection method: clinical testing. Allele origin: germline.
Comment: This sequence change falls in intron 11 of the RASA1 gene. It does not directly change the encoded amino acid sequence of the RASA1 protein. This variant is present in population databases (no rsID available, gnomAD 0.004%). This variant has not been reported in the literature in individuals affected with RASA1-related conditions. ClinVar contains an entry for this variant (Variation ID: 1418185). Experimental studies and prediction algorithms are not available or were not evaluated, and the effect of this variant on mRNA splicing is currently unknown. In summary, the available evidence is currently insufficient to determine the role of this variant in disease. Therefore, it has been classified as a Variant of Uncertain Significance.

Blueprint Genetics
Classification: Likely benign. Last evaluated: 2023-09-15. Review status: criteria provided, single submitter. Criteria: ACMG Guidelines, 2015. Collection method: clinical testing. Allele origin: germline.

NM_002890.3(RASA1):c.1611-2del

Genes: CCNH (cyclin H; minus strand), RASA1 (RAS p21 protein activator 1; plus strand). Cytogenetic location: 5q14.3.
Variant type: Deletion.
Coding change: c.1611-2del on transcript NM_002890.3 (MANE Select); the canonical splice acceptor site of the intron before coding-DNA position 1611, one base deleted (A; older notation c.1611-2delA).
Molecular consequence: splice acceptor variant. On other transcripts: intron variant (1).
Genome position (GRCh38, 1-based): chr5:87,369,811, A deleted; the last of 3 consecutive A bases (chr5:87,369,809-87,369,811); deleting any one gives the same sequence. VCF-style (leftmost placement, unchanged base first): chr5-87369808-TA-T. GRCh37 (hg19) VCF-style: chr5-86665625-TA-T.
Other names: c.1080-2del (NM_022650.3); c.933+25235del (NM_001364075.2).
Identifiers: ClinVar variation 1418185 (VCV001418185.10), dbSNP rs973746295, ClinGen allele CA121805266.